The following is an entry in ClinVar:

NM_000070.3(CAPN3):c.641G>A (p.Gly214Asp)

Gene: CAPN3 (calpain 3; plus strand). Cytogenetic location: 15q15.1.
Variant type: single nucleotide variant.
Coding change: c.641G>A on transcript NM_000070.3 (MANE Select); coding-DNA position 641, G replaced by A.
Protein change: p.Gly214Asp; replaces glycine 214 with aspartic acid.
Molecular consequence: missense variant.
Genome position (GRCh38, 1-based): chr15:42,388,936, G>A. VCF-style: chr15-42388936-G-A. GRCh37 (hg19) VCF-style: chr15-42681134-G-A.
Other names: c.641G>A, p.Gly214Asp (NM_024344.2, NM_173087.2); short protein forms G214D.
Identifiers: ClinVar variation 1401640 (VCV001401640.9), dbSNP rs761430243, ClinGen allele CA391998057.

ClinVar aggregate classification (germline): Likely pathogenic (1 of 4 stars; one submission).

Conditions:
Autosomal recessive limb-girdle muscular dystrophy type 2A (LGMDR1). Also called: MUSCULAR DYSTROPHY, PELVOFEMORAL; Limb-girdle muscular dystrophy, type 2A; Muscular dystrophy, limb-girdle, type 2A, Amish; Calpainopathy; LEYDEN-MOEBIUS MUSCULAR DYSTROPHY. Identifiers: Orphanet 267, MedGen C1869123, MONDO:0009675, OMIM 253600. Disease mechanism: loss of function.

Submission:

Labcorp Genetics (formerly Invitae), Labcorp
Classification: Likely pathogenic for Autosomal recessive limb-girdle muscular dystrophy type 2A. Last evaluated: 2022-09-12. Review status: criteria provided, single submitter. Criteria: Invitae Variant Classification Sherloc (09022015). Collection method: clinical testing. Allele origin: germline.
Comment: This variant is not present in population databases (gnomAD no frequency). In summary, the currently available evidence indicates that the variant is pathogenic, but additional data are needed to prove that conclusively. Therefore, this variant has been classified as Likely Pathogenic. This variant disrupts the p.Gly214 amino acid residue in CAPN3. Other variant(s) that disrupt this residue have been determined to be pathogenic (PMID: 19556129, 25135358, 30919934). This suggests that this residue is clinically significant, and that variants that disrupt this residue are likely to be disease-causing. Advanced modeling of protein sequence and biophysical properties (such as structural, functional, and spatial information, amino acid conservation, physicochemical variation, residue mobility, and thermodynamic stability) performed at Invitae indicates that this missense variant is expected to disrupt CAPN3 protein function. ClinVar contains an entry for this variant (Variation ID: 1401640). This variant has not been reported in the literature in individuals affected with CAPN3-related conditions. This sequence change replaces glycine, which is neutral and non-polar, with aspartic acid, which is acidic and polar, at codon 214 of the CAPN3 protein (p.Gly214Asp).

Literature cited by the submitters: PubMed 19556129; PubMed 25135358; PubMed 30919934.